The following is an entry in ClinVar:

ClinVar aggregate classification (germline): Likely benign. Review status: criteria provided, single submitter (1 of 4 stars). 2 submissions from 2 submitters: Likely benign (1). 1 of the submissions does not count toward it. Last evaluated 2023-04-09.

Conditions:
BCOR-related disorder. Also called: BCOR-related disorders; BCOR-related condition.
Oculofaciocardiodental syndrome (MCOPS2). Identifiers: Orphanet 2712, MedGen C1846265, MONDO:0010261, OMIM 300166.

Allele frequency attached by ClinVar (database versions not stated): ExAC 0.00002; gnomAD exomes 0.00002; TOPMed 0.00003.
gnomAD v4.1: 22 of 1,210,958 alleles (0.0018%); highest among the groups gnomAD compares: Middle Eastern, 0.023%; no homozygotes.

Submissions (2):

Labcorp Genetics (formerly Invitae), Labcorp
Classification: Likely benign for Oculofaciocardiodental syndrome. Last evaluated: 2023-04-09. Review status: criteria provided, single submitter. Criteria: Invitae Variant Classification Sherloc (09022015). Collection method: clinical testing. Allele origin: germline.

PreventionGenetics, part of Exact Sciences
Classification: Likely benign for BCOR-related condition. Last evaluated: 2019-04-17. Review status: no assertion criteria provided. Collection method: clinical testing. Allele origin: germline. Not counted in ClinVar's aggregate classification.
Comment: This variant is classified as likely benign based on ACMG/AMP sequence variant interpretation guidelines (Richards et al. 2015 PMID: 25741868, with internal and published modifications).

NM_001123385.2(BCOR):c.456G>A (p.Pro152=)

Genes: BCOR (BCL6 corepressor; minus strand), LOC126863239 (MED14-independent group 3 enhancer GRCh37_chrX:39932994-39934193; plus strand). Cytogenetic location: Xp11.4.
Variant type: single nucleotide variant.
Coding change: c.456G>A on transcript NM_001123385.2 (MANE Select); coding-DNA position 456, G replaced by A.
Protein change: p.Pro152=; no amino-acid change (proline 152 retained).
Molecular consequence: synonymous variant.
Genome position (GRCh38, 1-based): chrX:40,074,890, C>T on the plus strand (G>A on the coding strand, the complement: BCOR is on the minus strand). VCF-style: chrX-40074890-C-T. GRCh37 (hg19) VCF-style: chrX-39934143-C-T.
Other names: c.456G>A, p.Pro152= (NM_001123383.2, NM_001123384.2, NM_017745.6).
Identifiers: ClinVar variation 2851006 (VCV002851006.5), dbSNP rs764767261, ClinGen allele CA10387043.